The following is an entry in ClinVar:

ClinVar aggregate classification (germline): Uncertain significance. Review status: criteria provided, multiple submitters, no conflicts (2 of 4 stars). 4 submissions from 4 submitters: Uncertain significance (4). Last evaluated 2025-11-14.

Conditions:
Hereditary spastic paraplegia 7 (SPG7). Also called: SPG7-related neurologic disorder; Spastic paraplegia 7; Hereditary spastic paraplegia Paraplegin type; Autosomal recessive spastic paraplegia type 7; SPASTIC PARAPLEGIA 7, AUTOSOMAL RECESSIVE, WITH OR WITHOUT CEREBELLAR ATAXIA. Identifiers: Orphanet 99013, MedGen C1846564, MONDO:0011803, OMIM 607259.

Allele frequency attached by ClinVar (database versions not stated): gnomAD 0.00004 and 0.00005; gnomAD exomes 0.00005 and 0.00012; TOPMed 0.00007; ExAC 0.00010.
gnomAD v4.1: 91 of 1,613,762 alleles (0.0056%); highest among the groups gnomAD compares: Non-Finnish European, 0.0018%; no homozygotes.

Submissions (4):

Women's Health and Genetics/Laboratory Corporation of America, LabCorp
Classification: Uncertain significance. Last evaluated: 2025-11-14. Review status: criteria provided, single submitter. Criteria: LabCorp Variant Classification Summary - May 2015. Collection method: clinical testing. Allele origin: germline.
Comment: Variant summary: SPG7 c.566G>A (p.Ser189Asn) results in a conservative amino acid change in the encoded protein sequence. Algorithms developed to predict the effect of missense changes on protein structure and function are either unavailable or do not agree on the potential impact of this missense change. The variant allele was found at a frequency of 0.00012 in 251290 control chromosomes. This frequency is not significantly higher than estimated for disease-causing variants in SPG7, allowing no conclusion about variant significance. To our knowledge, no occurrence of c.566G>A in individuals affected with SPG7-related conditions and no experimental evidence demonstrating its impact on protein function have been reported. ClinVar contains an entry for this variant (Variation ID: 888322). Based on the evidence outlined above, the variant was classified as uncertain significance.

GeneDx
Classification: Uncertain significance. Last evaluated: 2025-11-02. Review status: criteria provided, single submitter. Criteria: GeneDx Variant Classification Process June 2021. Collection method: clinical testing. Allele origin: germline. Affected: yes.
Comment: In silico analysis suggests that this missense variant does not alter protein structure/function; Has not been previously published as pathogenic or benign to our knowledge; This variant is associated with the following publications: (PMID: 22571692)

Labcorp Genetics (formerly Invitae), Labcorp
Classification: Uncertain significance for Hereditary spastic paraplegia 7. Last evaluated: 2024-04-25. Review status: criteria provided, single submitter. Criteria: Invitae Variant Classification Sherloc (09022015). Collection method: clinical testing. Allele origin: germline.
Comment: This sequence change replaces serine, which is neutral and polar, with asparagine, which is neutral and polar, at codon 189 of the SPG7 protein (p.Ser189Asn). This variant is present in population databases (rs762049799, gnomAD 0.2%). This variant has not been reported in the literature in individuals affected with SPG7-related conditions. ClinVar contains an entry for this variant (Variation ID: 888322). Advanced modeling of protein sequence and biophysical properties (such as structural, functional, and spatial information, amino acid conservation, physicochemical variation, residue mobility, and thermodynamic stability) has been performed at Invitae for this missense variant, however the output from this modeling did not meet the statistical confidence thresholds required to predict the impact of this variant on SPG7 protein function. In summary, the available evidence is currently insufficient to determine the role of this variant in disease. Therefore, it has been classified as a Variant of Uncertain Significance.

Illumina Laboratory Services, Illumina
Classification: Uncertain significance for Hereditary spastic paraplegia 7. Last evaluated: 2018-01-12. Review status: criteria provided, single submitter. Criteria: ICSL Variant Classification Criteria 13 December 2019. Collection method: clinical testing. Allele origin: germline.

NM_003119.4(SPG7):c.566G>A (p.Ser189Asn)

Gene: SPG7 (SPG7 matrix AAA peptidase subunit, paraplegin; plus strand). Cytogenetic location: 16q24.3.
Variant type: single nucleotide variant.
Coding change: c.566G>A on transcript NM_003119.4 (MANE Select); coding-DNA position 566, G replaced by A.
Protein change: p.Ser189Asn; replaces serine 189 with asparagine.
Molecular consequence: missense variant.
Genome position (GRCh38, 1-based): chr16:89,524,195, G>A. VCF-style: chr16-89524195-G-A. GRCh37 (hg19) VCF-style: chr16-89590603-G-A.
Other names: c.566G>A, p.Ser189Asn (NM_001363850.1, NM_199367.3); short protein forms S189N.
Identifiers: ClinVar variation 888322 (VCV000888322.16), dbSNP rs762049799, ClinGen allele CA8243670.